The following is an entry in ClinVar:

ClinVar aggregate classification (germline): Uncertain significance (1 of 4 stars; one submission).

Conditions:
THRA-related disorder. Also called: THRA-related condition.

Submission:

PreventionGenetics, part of Exact Sciences
Classification: Uncertain significance for THRA-related condition. Last evaluated: 2025-12-04. Review status: criteria provided, single submitter. Criteria: ACMG Guidelines, 2015. Collection method: clinical testing. Allele origin: germline.
Comment: The THRA c.840G>C variant is predicted to result in the amino acid substitution p.Met280Ile. To our knowledge, this variant has not been reported in the literature or in a large population database (gnomAD), indicating this variant is rare. At this time, the clinical significance of this variant is uncertain due to the absence of conclusive functional and genetic evidence.

NM_199334.5(THRA):c.840G>C (p.Met280Ile)

Gene: THRA (thyroid hormone receptor alpha; plus strand). Cytogenetic location: 17q21.1.
Variant type: single nucleotide variant.
Coding change: c.840G>C on transcript NM_199334.5 (MANE Select); coding-DNA position 840, G replaced by C.
Protein change: p.Met280Ile; replaces methionine 280 with isoleucine.
Molecular consequence: missense variant.
Genome position (GRCh38, 1-based): chr17:40,088,358, G>C. VCF-style: chr17-40088358-G-C. GRCh37 (hg19) VCF-style: chr17-38244611-G-C.
Other names: c.840G>C, p.Met280Ile (NM_001190918.2, NM_001190919.2, NM_003250.6); short protein forms M280I.
Identifiers: ClinVar variation 4995956 (VCV004995956.1).